The following is an entry in ClinVar:

NM_001365951.3(KIF1B):c.4847G>A (p.Gly1616Glu)

Gene: KIF1B (kinesin family member 1B; plus strand). Cytogenetic location: 1p36.22.
Variant type: single nucleotide variant.
Coding change: c.4847G>A on transcript NM_001365951.3 (MANE Select); coding-DNA position 4847, G replaced by A.
Protein change: p.Gly1616Glu; replaces glycine 1616 with glutamic acid.
Molecular consequence: missense variant.
Genome position (GRCh38, 1-based): chr1:10,371,163, G>A. VCF-style: chr1-10371163-G-A. GRCh37 (hg19) VCF-style: chr1-10431221-G-A.
Other names: c.4847G>A, p.Gly1616Glu (NM_001365952.1); c.4709G>A, p.Gly1570Glu (NM_015074.3); short protein forms G1570E, G1616E.
Identifiers: ClinVar variation 1062616 (VCV001062616.12), dbSNP rs2102358105, ClinGen allele CA338327291.

ClinVar aggregate classification (germline): Uncertain significance. Review status: criteria provided, multiple submitters, no conflicts (2 of 4 stars). 2 submissions from 2 submitters: Uncertain significance (2). Last evaluated 2024-07-05.

Conditions:
Charcot-Marie-Tooth disease type 2. Also called: Charcot-Marie-Tooth type 2. Identifiers: Orphanet 64746, MedGen C0270914, MONDO:0018993.

Allele frequency attached by ClinVar (database versions not stated): gnomAD exomes below 0.00001.
gnomAD v4.1: 2 of 1,614,054 alleles (0.00012%); highest among the groups gnomAD compares: Non-Finnish European, 0.00017%; no homozygotes.

Submissions (2):

Ambry Genetics
Classification: Uncertain significance. Last evaluated: 2024-07-05. Review status: criteria provided, single submitter. Criteria: Ambry Variant Classification Scheme 2023. Collection method: clinical testing. Allele origin: germline.
Comment: The p.G1570E variant (also known as c.4709G>A), located in coding exon 42 of the KIF1B gene, results from a G to A substitution at nucleotide position 4709. The glycine at codon 1570 is replaced by glutamic acid, an amino acid with similar properties. This amino acid position is highly conserved in available vertebrate species. In addition, this alteration is predicted to be tolerated by in silico analysis. Since supporting evidence is limited at this time, the clinical significance of this alteration remains unclear.

Labcorp Genetics (formerly Invitae), Labcorp
Classification: Uncertain significance for Charcot-Marie-Tooth disease type 2. Last evaluated: 2023-08-17. Review status: criteria provided, single submitter. Criteria: Invitae Variant Classification Sherloc (09022015). Collection method: clinical testing. Allele origin: germline.
Comment: In summary, the available evidence is currently insufficient to determine the role of this variant in disease. Therefore, it has been classified as a Variant of Uncertain Significance. An algorithm developed to predict the effect of missense changes on protein structure and function (PolyPhen-2) suggests that this variant is likely to be disruptive. ClinVar contains an entry for this variant (Variation ID: 1062616). This variant has not been reported in the literature in individuals affected with KIF1B-related conditions. This variant is not present in population databases (gnomAD no frequency). This sequence change replaces glycine, which is neutral and non-polar, with glutamic acid, which is acidic and polar, at codon 1570 of the KIF1B protein (p.Gly1570Glu).